The following is an entry in ClinVar:

NM_025103.4(IFT74):c.1196A>C (p.His399Pro)

Gene: IFT74 (intraflagellar transport 74; plus strand). Cytogenetic location: 9p21.2.
Variant type: single nucleotide variant.
Coding change: c.1196A>C on transcript NM_025103.4 (MANE Select); coding-DNA position 1196, A replaced by C.
Protein change: p.His399Pro; replaces histidine 399 with proline.
Molecular consequence: missense variant.
Genome position (GRCh38, 1-based): chr9:27,047,361, A>C. VCF-style: chr9-27047361-A-C. GRCh37 (hg19) VCF-style: chr9-27047359-A-C.
Other names: c.1196A>C, p.His399Pro (NM_001099222.3, NM_001099223.3, NM_001349928.2); short protein forms H399P.
Identifiers: ClinVar variation 1393178 (VCV001393178.5), dbSNP rs2131684471, ClinGen allele CA373125480.

ClinVar aggregate classification (germline): Uncertain significance (1 of 4 stars; one submission).

Submission:

Labcorp Genetics (formerly Invitae), Labcorp
Classification: Uncertain significance. Last evaluated: 2021-11-24. Review status: criteria provided, single submitter. Criteria: Invitae Variant Classification Sherloc (09022015). Collection method: clinical testing. Allele origin: germline.
Comment: This variant is not present in population databases (gnomAD no frequency). This variant has not been reported in the literature in individuals affected with IFT74-related conditions. Algorithms developed to predict the effect of missense changes on protein structure and function (SIFT, PolyPhen-2, Align-GVGD) all suggest that this variant is likely to be tolerated. In summary, the available evidence is currently insufficient to determine the role of this variant in disease. Therefore, it has been classified as a Variant of Uncertain Significance. This sequence change replaces histidine, which is basic and polar, with proline, which is neutral and non-polar, at codon 399 of the IFT74 protein (p.His399Pro).